The following is an entry in ClinVar:

ClinVar aggregate classification (germline): Uncertain significance. Review status: criteria provided, multiple submitters, no conflicts (2 of 4 stars). 2 submissions from 2 submitters: Uncertain significance (2). Last evaluated 2023-10-05.

Allele frequency attached by ClinVar (database versions not stated): gnomAD exomes below 0.00001.
gnomAD v4.1: 2 of 1,614,110 alleles (0.00012%); highest among the groups gnomAD compares: East Asian, 0.0022%; no homozygotes.

Submissions (2):

Blueprint Genetics
Classification: Uncertain significance. Last evaluated: 2023-10-05. Review status: criteria provided, single submitter. Criteria: ACMG Guidelines, 2015. Collection method: clinical testing. Allele origin: germline.

Labcorp Genetics (formerly Invitae), Labcorp
Classification: Uncertain significance. Last evaluated: 2022-08-25. Review status: criteria provided, single submitter. Criteria: Invitae Variant Classification Sherloc (09022015). Collection method: clinical testing. Allele origin: germline.
Comment: In summary, the available evidence is currently insufficient to determine the role of this variant in disease. Therefore, it has been classified as a Variant of Uncertain Significance. Algorithms developed to predict the effect of missense changes on protein structure and function are either unavailable or do not agree on the potential impact of this missense change (SIFT: "Tolerated"; PolyPhen-2: "Possibly Damaging"; Align-GVGD: "Class C0"). ClinVar contains an entry for this variant (Variation ID: 1514993). This missense change has been observed in individual(s) with clinical features of TRRAP-related intellectual disability syndrome (Invitae). This variant is not present in population databases (gnomAD no frequency). This sequence change replaces glutamine, which is neutral and polar, with proline, which is neutral and non-polar, at codon 2433 of the TRRAP protein (p.Gln2433Pro).

NM_001375524.1(TRRAP):c.7373A>C (p.Gln2458Pro)

Gene: TRRAP (transformation/transcription domain associated protein; plus strand). Cytogenetic location: 7q22.1.
Variant type: single nucleotide variant.
Coding change: c.7373A>C on transcript NM_001375524.1 (MANE Select); coding-DNA position 7373, A replaced by C.
Protein change: p.Gln2458Pro; replaces glutamine 2458 with proline.
Molecular consequence: missense variant.
Genome position (GRCh38, 1-based): chr7:98,967,559, A>C. VCF-style: chr7-98967559-A-C. GRCh37 (hg19) VCF-style: chr7-98565182-A-C.
Other names: c.7352A>C, p.Gln2451Pro (NM_001244580.2); c.7298A>C, p.Gln2433Pro (NM_003496.4); short protein forms Q2451P, Q2433P, Q2458P.
Identifiers: ClinVar variation 1514993 (VCV001514993.7), dbSNP rs2116693543, ClinGen allele CA368292901.